The following is an entry in ClinVar:

NC_000022.11:g.40346135T>G

Gene: ADSL (adenylosuccinate lyase; plus strand). Cytogenetic location: 22q13.1.
Variant type: single nucleotide variant.
Genome position: GRCh38 VCF-style: chr22-40346135-T-G. GRCh37 (hg19) VCF-style: chr22-40742139-T-G.
Identifiers: ClinVar variation 2147634 (VCV002147634.5), dbSNP rs2518075661, ClinGen allele CA2580099839.
Genomic context (GRCh38, chr22:40,346,135, plus strand): 5'-ACACCGCTCTAACACTGAATCCGCACAACCCGAAAGGCAGGCCTTTTTTTTTTTTTTTTT[T>G]TTTGCTTTTTGTTTTTTAGAGACGGGAGGGTCTCCCTGTGTTGCCCAGGCTGGTCTCGAT-3'

ClinVar aggregate classification (germline): Uncertain significance (1 of 4 stars; one submission).

Conditions:
Adenylosuccinate lyase deficiency (ADSLD). Also called: ADSL DEFICIENCY. Identifiers: Orphanet 46, MedGen C0268126, MONDO:0007068, OMIM 103050.

Submission:

Labcorp Genetics (formerly Invitae), Labcorp
Classification: Uncertain significance for Adenylosuccinate lyase deficiency. Last evaluated: 2022-05-03. Review status: criteria provided, single submitter. Criteria: Invitae Variant Classification Sherloc (09022015). Collection method: clinical testing. Allele origin: germline.
Comment: Experimental studies and prediction algorithms are not available or were not evaluated, and the functional significance of this variant is currently unknown. In summary, the available evidence is currently insufficient to determine the role of this variant in disease. Therefore, it has been classified as a Variant of Uncertain Significance. This variant has not been reported in the literature in individuals affected with ADSL-related conditions. The frequency data for this variant in the population databases is considered unreliable, as metrics indicate insufficient coverage at this position in the gnomAD database. This variant occurs in a non-coding region of the ADSL gene. It does not change the encoded amino acid sequence of the ADSL protein.